The following is an entry in ClinVar:

NM_004977.3(KCNC3):c.633CAACGCCGC[3] (p.212NAA[3])

Gene: KCNC3 (potassium voltage-gated channel subfamily C member 3; minus strand). Cytogenetic location: 19q13.33.
Variant type: Microsatellite.
Coding change: c.633CAACGCCGC[3] on transcript NM_004977.3 (MANE Select); three copies in a row of the 9-base unit CAACGCCGC starting at c.633; the reference has two copies in a row; one copy, 9 bases duplicated.
Protein change: p.212NAA[3].
Molecular consequence: inframe insertion.
Genome position (GRCh38, 1-based): chr19:50,328,433-50,328,441, GCGGCGTTG duplicated on the plus strand (CAACGCCGC on the coding strand, the reverse complement: KCNC3 is on the minus strand); duplicating any 9 consecutive bases within chr19:50,328,433-50,328,456 gives the same sequence; the position shown is the placement nearest the transcript's 3' end. VCF-style (leftmost placement, unchanged base first): chr19-50328432-T-TGCGGCGTTG. GRCh37 (hg19) VCF-style: chr19-50831689-T-TGCGGCGTTG.
Other names: c.405CAACGCCGC[3], p.136NAA[3] (NM_001372305.1).
Identifiers: ClinVar variation 1412420 (VCV001412420.9), dbSNP rs757605455, ClinGen allele CA9594348.

ClinVar aggregate classification (germline): Conflicting classifications of pathogenicity. Review status: criteria provided, conflicting classifications (1 of 4 stars). 2 submissions from 2 submitters: Uncertain significance (1); Likely benign (1). Last evaluated 2025-10-21.

Submissions (2):

Labcorp Genetics (formerly Invitae), Labcorp
Classification: Uncertain significance. Last evaluated: 2025-10-21. Review status: criteria provided, single submitter. Criteria: Invitae Variant Classification Sherloc (09022015). Collection method: clinical testing. Allele origin: germline.
Comment: This variant, c.642_650dup, results in the insertion of 3 amino acid(s) of the KCNC3 protein (p.Asn215_Ala217dup), but otherwise preserves the integrity of the reading frame. This variant is present in population databases (rs757605455, gnomAD 0.06%), and has an allele count higher than expected for a pathogenic variant. This variant has not been reported in the literature in individuals affected with KCNC3-related conditions. Experimental studies and prediction algorithms are not available or were not evaluated, and the functional significance of this variant is currently unknown. In summary, the available evidence is currently insufficient to determine the role of this variant in disease. Therefore, it has been classified as a Variant of Uncertain Significance.

Blueprint Genetics
Classification: Likely benign. Last evaluated: 2024-11-26. Review status: criteria provided, single submitter. Criteria: ACMG Guidelines, 2015. Collection method: clinical testing. Allele origin: germline.